The following is an entry in ClinVar:

NM_001035.3(RYR2):c.14852T>A (p.Phe4951Tyr)

Gene: RYR2 (ryanodine receptor 2; plus strand). Cytogenetic location: 1q43.
Variant type: single nucleotide variant.
Coding change: c.14852T>A on transcript NM_001035.3 (MANE Select); coding-DNA position 14852, T replaced by A.
Protein change: p.Phe4951Tyr; replaces phenylalanine 4951 with tyrosine.
Molecular consequence: missense variant.
Genome position (GRCh38, 1-based): chr1:237,832,595, T>A. VCF-style: chr1-237832595-T-A. GRCh37 (hg19) VCF-style: chr1-237995895-T-A.
Other names: short protein forms F4951Y.
Identifiers: ClinVar variation 4863721 (VCV004863721.1).

ClinVar aggregate classification (germline): Uncertain significance (1 of 4 stars; one submission).

Conditions:
Cardiovascular phenotype. Identifiers: MedGen CN230736.

Submission:

Ambry Genetics
Classification: Uncertain significance for Cardiovascular phenotype. Last evaluated: 2026-05-23. Review status: criteria provided, single submitter. Criteria: Ambry Variant Classification Scheme 2023. Collection method: clinical testing. Allele origin: germline.
Comment: The p.F4951Y variant (also known as c.14852T>A), located in coding exon 105 of the RYR2 gene, results from a T to A substitution at nucleotide position 14852. The phenylalanine at codon 4951 is replaced by tyrosine, an amino acid with highly similar properties. This amino acid position is conserved. In addition, this alteration is predicted to be deleterious by in silico analysis. Based on the available evidence, the clinical significance of this variant remains unclear.